The following is an entry in ClinVar:

NM_006231.4(POLE):c.745C>G (p.Arg249Gly)

Gene: POLE (DNA polymerase epsilon, catalytic subunit; minus strand). Cytogenetic location: 12q24.33.
Variant type: single nucleotide variant.
Coding change: c.745C>G on transcript NM_006231.4 (MANE Select); coding-DNA position 745, C replaced by G.
Protein change: p.Arg249Gly; replaces arginine 249 with glycine.
Molecular consequence: missense variant.
Genome position (GRCh38, 1-based): chr12:132,677,419, G>C on the plus strand (C>G on the coding strand, the complement: POLE is on the minus strand). VCF-style: chr12-132677419-G-C. GRCh37 (hg19) VCF-style: chr12-133254005-G-C.
Other names: short protein forms R249G.
Identifiers: ClinVar variation 4141190 (VCV004141190.1).

ClinVar aggregate classification (germline): Uncertain significance (1 of 4 stars; one submission).

Conditions:
Hereditary cancer-predisposing syndrome. Also called: Hereditary neoplastic syndrome; Neoplastic Syndromes, Hereditary; Tumor predisposition; Hereditary Cancer Syndrome. Identifiers: Orphanet 140162, MedGen C0027672, MeSH D009386, MONDO:0015356.

gnomAD v4.1: 1 of 1,613,932 alleles (0.000062%); no homozygotes.

Submission:

Ambry Genetics
Classification: Uncertain significance for Hereditary cancer-predisposing syndrome. Last evaluated: 2025-08-19. Review status: criteria provided, single submitter. Criteria: Ambry Variant Classification Scheme 2023. Collection method: clinical testing. Allele origin: germline.
Comment: The p.R249G variant (also known as c.745C>G), located in coding exon 8 of the POLE gene, results from a C to G substitution at nucleotide position 745. The arginine at codon 249 is replaced by glycine, an amino acid with dissimilar properties. This amino acid position is highly conserved in available vertebrate species. In addition, the in silico prediction for this alteration is inconclusive. Based on the available evidence, the clinical significance of this variant remains unclear.